The following is an entry in ClinVar:

NM_020821.3(VPS13C):c.3169del (p.Gln1057fs)

Gene: VPS13C (vacuolar protein sorting 13 homolog C; minus strand). Cytogenetic location: 15q22.2.
Variant type: Deletion.
Coding change: c.3169del on transcript NM_020821.3 (MANE Select); coding-DNA position 3169, one base deleted (C; older notation c.3169delC).
Protein change: p.Gln1057fs; shifts the reading frame from glutamine 1057.
Molecular consequence: frameshift variant.
Genome position (GRCh38, 1-based): chr15:61,964,744, G deleted on the plus strand (C on the coding strand, the reverse complement: VPS13C is on the minus strand). VCF-style (leftmost placement, unchanged base first): chr15-61964743-TG-T. GRCh37 (hg19) VCF-style: chr15-62256942-TG-T.
Other names: c.3169del, p.Gln1057fs (NM_001018088.3); c.3040del, p.Gln1014fs (NM_017684.5, NM_018080.4); short protein forms Q1014fs, Q1057fs.
Identifiers: ClinVar variation 4085857 (VCV004085857.8).

ClinVar aggregate classification (germline): Pathogenic (1 of 4 stars; one submission).

Submission:

CeGaT Center for Human Genetics Tuebingen
Classification: Pathogenic. Last evaluated: 2025-08-01. Review status: criteria provided, single submitter. Criteria: CeGaT Center For Human Genetics Tuebingen Variant Classification Criteria Version 2. Collection method: clinical testing. Allele origin: germline. Affected: yes. Observed: 1 variant allele.
Comment: VPS13C: PVS1, PM2